The following is an entry in ClinVar:

NM_006231.4(POLE):c.863C>G (p.Ala288Gly)

Gene: POLE (DNA polymerase epsilon, catalytic subunit; minus strand). Cytogenetic location: 12q24.33.
Variant type: single nucleotide variant.
Coding change: c.863C>G on transcript NM_006231.4 (MANE Select); coding-DNA position 863, C replaced by G.
Protein change: p.Ala288Gly; replaces alanine 288 with glycine.
Molecular consequence: missense variant.
Genome position (GRCh38, 1-based): chr12:132,676,592, G>C on the plus strand (C>G on the coding strand, the complement: POLE is on the minus strand). VCF-style: chr12-132676592-G-C. GRCh37 (hg19) VCF-style: chr12-133253178-G-C.
Other names: short protein forms A288G.
Identifiers: ClinVar variation 439282 (VCV000439282.25), dbSNP rs771619667, ClinGen allele CA6894156.

ClinVar aggregate classification (germline): Uncertain significance. Review status: criteria provided, multiple submitters, no conflicts (2 of 4 stars). 8 submissions from 8 submitters: Uncertain significance (7). 1 of the submissions does not count toward it. Last evaluated 2026-01-18.

Conditions:
POLE-related disorder. Also called: POLE-related condition; POLE-related disorders.
Colorectal cancer, susceptibility to, 12 (CRCS12). Also called: COLORECTAL CANCER, SUSCEPTIBILITY TO, ON CHROMOSOME 12q24. Identifiers: Orphanet 220460, MedGen C3554460, MONDO:0014038, OMIM 615083.
Hereditary cancer-predisposing syndrome. Also called: Hereditary Cancer Syndrome; Hereditary neoplastic syndrome; Neoplastic Syndromes, Hereditary; Tumor predisposition. Identifiers: Orphanet 140162, MedGen C0027672, MeSH D009386, MONDO:0015356.

Allele frequency attached by ClinVar (database versions not stated): gnomAD exomes below 0.00001 and 0.00001; TOPMed 0.00003; gnomAD 0.00004.
gnomAD v4.1: 11 of 1,613,872 alleles (0.00068%); highest among the groups gnomAD compares: African/African-American, 0.015%; no homozygotes.

Submissions (8):

Labcorp Genetics (formerly Invitae), Labcorp
Classification: Uncertain significance. Last evaluated: 2026-01-18. Review status: criteria provided, single submitter. Criteria: Invitae Variant Classification Sherloc (09022015). Collection method: clinical testing. Allele origin: germline.
Comment: This sequence change replaces alanine, which is neutral and non-polar, with glycine, which is neutral and non-polar, at codon 288 of the POLE protein (p.Ala288Gly). This variant is present in population databases (rs771619667, gnomAD 0.01%). This variant has not been reported in the literature in individuals affected with POLE-related conditions. ClinVar contains an entry for this variant (Variation ID: 439282). Invitae Evidence Modeling of protein sequence and biophysical properties (such as structural, functional, and spatial information, amino acid conservation, physicochemical variation, residue mobility, and thermodynamic stability) indicates that this missense variant is expected to disrupt POLE protein function with a positive predictive value of 80%. RNA analysis performed to evaluate the impact of this missense change on mRNA splicing indicates it does not significantly alter splicing (internal data). In summary, the available evidence is currently insufficient to determine the role of this variant in disease. Therefore, it has been classified as a Variant of Uncertain Significance.

St. Jude Molecular Pathology, St. Jude Children's Research Hospital
Classification: Uncertain significance for Colorectal cancer, susceptibility to, 12. Last evaluated: 2025-06-17. Review status: criteria provided, single submitter. Criteria: St. Jude Assertion Criteria 2020. Collection method: clinical testing. Allele origin: germline.
Comment: The POLE c.863C>G p.(Ala288Gly) missense change has a maximum subpopulation frequency of 0.01% in gnomAD v2.1.1. The in silico tool REVEL predicts a benign effect on protein function, but to our knowledge this prediction has not been confirmed by functional studies. To our knowledge, this variant has not been reported in the literature in individuals with POLE-related disease. In summary, the evidence currently available is insufficient to determine the clinical significance of this variant. It has therefore been classified as of uncertain significance.

Ambry Genetics
Classification: Uncertain significance for Hereditary cancer-predisposing syndrome. Last evaluated: 2025-04-14. Review status: criteria provided, single submitter. Criteria: Ambry Variant Classification Scheme 2023. Collection method: clinical testing. Allele origin: germline.
Comment: The p.A288G variant (also known as c.863C>G), located in coding exon 9 of the POLE gene, results from a C to G substitution at nucleotide position 863. The alanine at codon 288 is replaced by glycine, an amino acid with similar properties. This amino acid position is well conserved in available vertebrate species. In addition, the in silico prediction for this alteration is inconclusive. Since supporting evidence is limited at this time, the clinical significance of this alteration remains unclear.

Baylor Genetics
Classification: Uncertain significance for Colorectal cancer, susceptibility to, 12. Last evaluated: 2024-03-13. Review status: criteria provided, single submitter. Criteria: ACMG Guidelines, 2015. Collection method: clinical testing. Allele origin: unknown.

GeneDx
Classification: Uncertain significance. Last evaluated: 2022-05-12. Review status: criteria provided, single submitter. Criteria: GeneDx Variant Classification Process June 2021. Collection method: clinical testing. Allele origin: germline. Affected: yes.
Comment: In silico analysis supports that this missense variant has a deleterious effect on protein structure/function; Has not been previously published as pathogenic or benign to our knowledge; This variant is associated with the following publications: (PMID: 20951805)

Sema4
Classification: Uncertain significance for Hereditary cancer-predisposing syndrome. Last evaluated: 2021-08-27. Review status: criteria provided, single submitter. Criteria: Sema4 Curation Guidelines. Collection method: curation. Allele origin: germline.
Comment: The POLE c.863C>G (p.A288G) variant has not been reported in the literature to our knowledge. It was observed in 3/24964 chromosomes of the African subpopulation in the large and broad cohorts of the Genome Aggregation Database (PMID: 32461654) and has been reported in ClinVar (Variation ID: 439282). In silico tools evaluating the impact of the variant on protein function are inconclusive, while splice prediction tools suggest the variant may create a cryptic splice site. None of these predictions have been confirmed by functional studies. The evidence is insufficient to meet ACMG/AMP criteria for classifying the variant as benign or pathogenic. Thus, the clinical significance of this variant is currently uncertain.

Quest Diagnostics Nichols Institute San Juan Capistrano
Classification: Uncertain significance. Last evaluated: 2017-06-09. Review status: criteria provided, single submitter. Criteria: Quest Diagnostics criteria. Collection method: clinical testing. Allele origin: germline.

PreventionGenetics, part of Exact Sciences
Classification: Uncertain significance for POLE-related condition. Last evaluated: 2024-03-28. Review status: no assertion criteria provided. Collection method: clinical testing. Allele origin: germline. Not counted in ClinVar's aggregate classification.
Comment: The POLE c.863C>G variant is predicted to result in the amino acid substitution p.Ala288Gly. To our knowledge, this variant has not been reported in the literature. This variant is reported in 0.012% of alleles in individuals of African descent in gnomAD, and is classified as uncertain by numerous labs in ClinVar. At this time, the clinical significance of this variant is uncertain due to the absence of conclusive functional and genetic evidence.